The following is an entry in ClinVar:

NM_002087.4(GRN):c.1243C>G (p.Gln415Glu)

Gene: GRN (granulin precursor; plus strand). Cytogenetic location: 17q21.31.
Variant type: single nucleotide variant.
Coding change: c.1243C>G on transcript NM_002087.4 (MANE Select); coding-DNA position 1243, C replaced by G.
Protein change: p.Gln415Glu; replaces glutamine 415 with glutamic acid.
Molecular consequence: missense variant.
Genome position (GRCh38, 1-based): chr17:44,352,078, C>G. VCF-style: chr17-44352078-C-G. GRCh37 (hg19) VCF-style: chr17-42429446-C-G.
Other names: c.1243C>G (NM_002087.2); short protein forms Q415E.
Identifiers: ClinVar variation 1505884 (VCV001505884.7), dbSNP rs775888774, ClinGen allele CA8602152.

ClinVar aggregate classification (germline): Uncertain significance. Review status: criteria provided, multiple submitters, no conflicts (2 of 4 stars). 2 submissions from 2 submitters: Uncertain significance (2). Last evaluated 2025-11-01.

Conditions:
Inborn genetic diseases. Identifiers: MedGen C0950123, MeSH D030342.
GRN-related frontotemporal lobar degeneration with Tdp43 inclusions (FTD2). Also called: DEMENTIA, HEREDITARY DYSPHASIC DISINHIBITION; FRONTOTEMPORAL LOBAR DEGENERATION WITH UBIQUITIN-POSITIVE INCLUSIONS; FTLD-TDP, GRN-RELATED; GRN Frontotemporal Dementia; FRONTOTEMPORAL DEMENTIA WITH TDP43 INCLUSIONS, GRN-RELATED. Identifiers: Orphanet 100070, Orphanet 282, MedGen C1843792, MONDO:0011842, OMIM 607485. Disease mechanism: loss of function.
Neuronal ceroid lipofuscinosis 11. Also called: GRN-Related Neuronal Ceroid-Lipofuscinosis. Identifiers: Orphanet 314629, Orphanet 79262, MedGen C3539123, MONDO:0013866, OMIM 614706.

Allele frequency attached by ClinVar (database versions not stated): gnomAD 0.00001; TOPMed 0.00001; ExAC 0.00003; gnomAD exomes 0.00004.
gnomAD v4.1: 15 of 1,613,782 alleles (0.00093%); highest among the groups gnomAD compares: Admixed American, 0.025%; no homozygotes.

Submissions (2):

Labcorp Genetics (formerly Invitae), Labcorp
Classification: Uncertain significance for Neuronal ceroid lipofuscinosis 11; GRN-related frontotemporal lobar degeneration with Tdp43 inclusions. Last evaluated: 2025-11-01. Review status: criteria provided, single submitter. Criteria: Invitae Variant Classification Sherloc (09022015). Collection method: clinical testing. Allele origin: germline.
Comment: This sequence change replaces glutamine, which is neutral and polar, with glutamic acid, which is acidic and polar, at codon 415 of the GRN protein (p.Gln415Glu). This variant is present in population databases (rs775888774, gnomAD 0.03%). This variant has not been reported in the literature in individuals affected with GRN-related conditions. ClinVar contains an entry for this variant (Variation ID: 1505884). Invitae Evidence Modeling of protein sequence and biophysical properties (such as structural, functional, and spatial information, amino acid conservation, physicochemical variation, residue mobility, and thermodynamic stability) indicates that this missense variant is not expected to disrupt GRN protein function with a negative predictive value of 80%. In summary, the available evidence is currently insufficient to determine the role of this variant in disease. Therefore, it has been classified as a Variant of Uncertain Significance.

Ambry Genetics
Classification: Uncertain significance for Inborn genetic diseases. Last evaluated: 2024-12-04. Review status: criteria provided, single submitter. Criteria: Ambry Variant Classification Scheme 2023. Collection method: clinical testing. Allele origin: germline.